The following is an entry in ClinVar:

NM_015570.4(AUTS2):c.3184C>T (p.Pro1062Ser)

Gene: AUTS2 (activator of transcription and developmental regulator AUTS2; plus strand). Cytogenetic location: 7q11.22.
Variant type: single nucleotide variant.
Coding change: c.3184C>T on transcript NM_015570.4 (MANE Select); coding-DNA position 3184, C replaced by T.
Protein change: p.Pro1062Ser; replaces proline 1062 with serine.
Molecular consequence: missense variant.
Genome position (GRCh38, 1-based): chr7:70,790,400, C>T. VCF-style: chr7-70790400-C-T. GRCh37 (hg19) VCF-style: chr7-70255386-C-T.
Other names: c.3112C>T, p.Pro1038Ser (NM_001127231.3); short protein forms P1062S, P1038S.
Identifiers: ClinVar variation 383843 (VCV000383843.7), dbSNP rs1057521756, ClinGen allele CA16605891.

ClinVar aggregate classification (germline): Conflicting classifications of pathogenicity. Review status: criteria provided, conflicting classifications (1 of 4 stars). 2 submissions from 2 submitters: Uncertain significance (1); Likely benign (1). Last evaluated 2023-11-27.

Allele frequency attached by ClinVar (database versions not stated): gnomAD exomes below 0.00001 and 0.00001.
gnomAD v4.1: 5 of 1,613,666 alleles (0.00031%); highest among the groups gnomAD compares: Admixed American, 0.005%; no homozygotes.

Submissions (2):

Labcorp Genetics (formerly Invitae), Labcorp
Classification: Likely benign. Last evaluated: 2023-11-27. Review status: criteria provided, single submitter. Criteria: Invitae Variant Classification Sherloc (09022015). Collection method: clinical testing. Allele origin: germline.

GeneDx
Classification: Uncertain significance. Last evaluated: 2016-03-05. Review status: criteria provided, single submitter. Criteria: GeneDx Variant Classification (06012015). Collection method: clinical testing. Allele origin: germline. Affected: yes.
Comment: The P1062S variant in the AUTS2 gene has not been reported previously as a pathogenic variant, nor as a benign variant, to our knowledge. The P1062S variant was not observed in approximately 6,500 individuals of European and African American ancestry in the NHLBI Exome Sequencing Project, indicating it is not a common benign variant in these populations. The P1062S variant is a non-conservative amino acid substitution, which is likely to impact secondary protein structure as these residues differ in polarity, charge, size and/or other properties. This substitution occurs at a position that is conserved across species. In silico analysis predicts this variant is probably damaging to the protein structure/function. We interpret P1062S as a variant of uncertain significance.